The following is an entry in ClinVar:

ClinVar aggregate classification (germline): Uncertain significance (1 of 4 stars; one submission).

Submission:

Ambry Genetics
Classification: Uncertain significance. Last evaluated: 2022-09-26. Review status: criteria provided, single submitter. Criteria: Ambry Variant Classification Scheme 2023. Collection method: clinical testing. Allele origin: germline.
Comment: The p.D216V variant (also known as c.647A>T), located in coding exon 5 of the POLQ gene, results from an A to T substitution at nucleotide position 647. The aspartic acid at codon 216 is replaced by valine, an amino acid with highly dissimilar properties. This amino acid position is conserved. In addition, this alteration is predicted to be deleterious by in silico analysis. Since supporting evidence is limited at this time, the clinical significance of this alteration remains unclear.

NM_199420.4(POLQ):c.647A>T (p.Asp216Val)

Gene: POLQ (DNA polymerase theta; minus strand). Cytogenetic location: 3q13.33.
Variant type: single nucleotide variant.
Coding change: c.647A>T on transcript NM_199420.4 (MANE Select); coding-DNA position 647, A replaced by T.
Protein change: p.Asp216Val; replaces aspartic acid 216 with valine.
Molecular consequence: missense variant.
Genome position (GRCh38, 1-based): chr3:121,537,193, T>A on the plus strand (A>T on the coding strand, the complement: POLQ is on the minus strand). VCF-style: chr3-121537193-T-A. GRCh37 (hg19) VCF-style: chr3-121256040-T-A.
Other names: short protein forms D216V.
Identifiers: ClinVar variation 1753741 (VCV001753741.2), dbSNP rs2546822820, ClinGen allele CA354090776.